The following is an entry in ClinVar:

NM_004863.4(SPTLC2):c.173C>T (p.Pro58Leu)

Gene: SPTLC2 (serine palmitoyltransferase long chain base subunit 2; minus strand). Cytogenetic location: 14q24.3.
Variant type: single nucleotide variant.
Coding change: c.173C>T on transcript NM_004863.4 (MANE Select); coding-DNA position 173, C replaced by T.
Protein change: p.Pro58Leu; replaces proline 58 with leucine.
Molecular consequence: missense variant.
Genome position (GRCh38, 1-based): chr14:77,597,340, G>A on the plus strand (C>T on the coding strand, the complement: SPTLC2 is on the minus strand). VCF-style: chr14-77597340-G-A. GRCh37 (hg19) VCF-style: chr14-78063683-G-A.
Other names: short protein forms P58L.
Identifiers: ClinVar variation 1516239 (VCV001516239.10), dbSNP rs371307729, ClinGen allele CA7289502.
Genomic context (GRCh38, chr14:77,597,340, plus strand): 5'-TACCCCACATACGTGAGCACAGCAACCAGCATTGGTGTTTCTTCAAAAGCTTCATTAAAC[G>A]GTCTTTTATATAGTCCTCCATTTTGTGTAACATGATGGATCTAAAAGAGAGGTTAAAAAT-3'
Protein context (NP_004854.1, residues 48-68): VTQNGGLYKR[Pro58Leu]FNEAFEETPM

ClinVar aggregate classification (germline): Uncertain significance. Review status: criteria provided, multiple submitters, no conflicts (2 of 4 stars). 2 submissions from 2 submitters: Uncertain significance (2). Last evaluated 2026-01-06.

Conditions:
Neuropathy, hereditary sensory and autonomic, type 1C. Also called: HSAN IC; HSN IC. Identifiers: Orphanet 36386, MedGen C3150896, MONDO:0013337, OMIM 613640.
Inborn genetic diseases. Identifiers: MedGen C0950123, MeSH D030342.

Allele frequency attached by ClinVar (database versions not stated): ExAC 0.00001; gnomAD 0.00001; gnomAD exomes 0.00001 and 0.00002; TOPMed 0.00001.
gnomAD v4.1: 26 of 1,613,950 alleles (0.0016%); highest among the groups gnomAD compares: East Asian, 0.0045%; no homozygotes.

Submissions (2):

Labcorp Genetics (formerly Invitae), Labcorp
Classification: Uncertain significance for Neuropathy, hereditary sensory and autonomic, type 1C. Last evaluated: 2026-01-06. Review status: criteria provided, single submitter. Criteria: Invitae Variant Classification Sherloc (09022015). Collection method: clinical testing. Allele origin: germline.
Comment: This sequence change replaces proline, which is neutral and non-polar, with leucine, which is neutral and non-polar, at codon 58 of the SPTLC2 protein (p.Pro58Leu). This variant is present in population databases (rs371307729, gnomAD 0.01%). This variant has not been reported in the literature in individuals affected with SPTLC2-related conditions. ClinVar contains an entry for this variant (Variation ID: 1516239). Invitae Evidence Modeling of protein sequence and biophysical properties (such as structural, functional, and spatial information, amino acid conservation, physicochemical variation, residue mobility, and thermodynamic stability) indicates that this missense variant is not expected to disrupt SPTLC2 protein function with a negative predictive value of 95%. In summary, the available evidence is currently insufficient to determine the role of this variant in disease. Therefore, it has been classified as a Variant of Uncertain Significance.

Ambry Genetics
Classification: Uncertain significance for Inborn genetic diseases. Last evaluated: 2021-06-07. Review status: criteria provided, single submitter. Criteria: Ambry Variant Classification Scheme 2023. Collection method: clinical testing. Allele origin: germline.
Comment: The p.P58L variant (also known as c.173C>T), located in coding exon 2 of the SPTLC2 gene, results from a C to T substitution at nucleotide position 173. The proline at codon 58 is replaced by leucine, an amino acid with similar properties. This amino acid position is highly conserved in available vertebrate species. In addition, this alteration is predicted to be deleterious by in silico analysis. Since supporting evidence is limited at this time, the clinical significance of this alteration remains unclear.